The following is an entry in ClinVar:

ClinVar aggregate classification (germline): Uncertain significance. Review status: criteria provided, multiple submitters, no conflicts (2 of 4 stars). 2 submissions from 2 submitters: Uncertain significance (2). Last evaluated 2026-04-10.

Conditions:
RPGRIP1L-related disorder. Also called: RPGRIP1L-related condition; RPGRIP1L-related disorders. Identifiers: MedGen CN239416.
Inborn genetic diseases. Identifiers: MedGen C0950123, MeSH D030342.

Submissions (2):

PreventionGenetics, part of Exact Sciences
Classification: Uncertain significance for RPGRIP1L-related condition. Last evaluated: 2026-04-10. Review status: criteria provided, single submitter. Criteria: ACMG Guidelines, 2015. Collection method: clinical testing. Allele origin: germline.
Comment: The RPGRIP1L c.1507G>A variant is predicted to result in the amino acid substitution p.Ala503Thr. To our knowledge, this variant has not been reported in the literature or in a large population database (gnomAD), indicating this variant is rare. At this time, the clinical significance of this variant is uncertain due to the absence of conclusive functional and genetic evidence.

Ambry Genetics
Classification: Uncertain significance for Inborn genetic diseases. Last evaluated: 2025-05-01. Review status: criteria provided, single submitter. Criteria: Ambry Variant Classification Scheme 2023. Collection method: clinical testing. Allele origin: germline.

NM_015272.5(RPGRIP1L):c.1507G>A (p.Ala503Thr)

Gene: RPGRIP1L (RPGRIP1 like; minus strand). Cytogenetic location: 16q12.2.
Variant type: single nucleotide variant.
Coding change: c.1507G>A on transcript NM_015272.5 (MANE Select); coding-DNA position 1507, G replaced by A.
Protein change: p.Ala503Thr; replaces alanine 503 with threonine.
Molecular consequence: missense variant.
Genome position (GRCh38, 1-based): chr16:53,657,527, C>T on the plus strand (G>A on the coding strand, the complement: RPGRIP1L is on the minus strand). VCF-style: chr16-53657527-C-T. GRCh37 (hg19) VCF-style: chr16-53691439-C-T.
Other names: c.1507G>A, p.Ala503Thr (NM_001127897.4, NM_001308334.3, NM_001330538.2); c.1507G>A (NM_015272.4); short protein forms A503T.
Identifiers: ClinVar variation 3947415 (VCV003947415.2).